The following is an entry in ClinVar:

ClinVar aggregate classification (germline): Uncertain significance (1 of 4 stars; one submission).

Allele frequency attached by ClinVar (database versions not stated): gnomAD exomes below 0.00001.
gnomAD v4.1: 1 of 1,614,166 alleles (0.000062%); highest among the groups gnomAD compares: East Asian, 0.0022%; no homozygotes.

Submission:

Labcorp Genetics (formerly Invitae), Labcorp
Classification: Uncertain significance. Last evaluated: 2024-10-24. Review status: criteria provided, single submitter. Criteria: Invitae Variant Classification Sherloc (09022015). Collection method: clinical testing. Allele origin: germline.
Comment: This sequence change replaces alanine, which is neutral and non-polar, with valine, which is neutral and non-polar, at codon 349 of the RFWD3 protein (p.Ala349Val). This variant is present in population databases (no rsID available, gnomAD 0.006%). This variant has not been reported in the literature in individuals affected with RFWD3-related conditions. ClinVar contains an entry for this variant (Variation ID: 2026642). An algorithm developed to predict the effect of missense changes on protein structure and function (PolyPhen-2) suggests that this variant is likely to be disruptive. In summary, the available evidence is currently insufficient to determine the role of this variant in disease. Therefore, it has been classified as a Variant of Uncertain Significance.

NM_018124.4(RFWD3):c.1046C>T (p.Ala349Val)

Gene: RFWD3 (ring finger and WD repeat domain 3; minus strand). Cytogenetic location: 16q23.1.
Variant type: single nucleotide variant.
Coding change: c.1046C>T on transcript NM_018124.4 (MANE Select); coding-DNA position 1046, C replaced by T.
Protein change: p.Ala349Val; replaces alanine 349 with valine.
Molecular consequence: missense variant.
Genome position (GRCh38, 1-based): chr16:74,644,395, G>A on the plus strand (C>T on the coding strand, the complement: RFWD3 is on the minus strand). VCF-style: chr16-74644395-G-A. GRCh37 (hg19) VCF-style: chr16-74678293-G-A.
Other names: c.1046C>T, p.Ala349Val (NM_001370534.1, NM_001370535.1, NM_001370536.1); c.212C>T, p.Ala71Val (NM_001370537.1, NM_001370539.1, NM_001370540.1 and 3 more transcripts); short protein forms A71V, A349V.
Identifiers: ClinVar variation 2026642 (VCV002026642.4), dbSNP rs1481440731, ClinGen allele CA396762584.